The following is an entry in ClinVar:

NM_006206.6(PDGFRA):c.1327C>T (p.Pro443Ser)

Gene: PDGFRA (platelet derived growth factor receptor alpha; plus strand). Cytogenetic location: 4q12.
Variant type: single nucleotide variant.
Coding change: c.1327C>T on transcript NM_006206.6 (MANE Select); coding-DNA position 1327, C replaced by T.
Protein change: p.Pro443Ser; replaces proline 443 with serine.
Molecular consequence: missense variant.
Genome position (GRCh38, 1-based): chr4:54,272,483, C>T. VCF-style: chr4-54272483-C-T. GRCh37 (hg19) VCF-style: chr4-55138650-C-T.
Other names: c.1327C>T, p.Pro443Ser (NM_001347827.2, NM_001347829.2); c.1402C>T, p.Pro468Ser (NM_001347828.2); c.1366C>T, p.Pro456Ser (NM_001347830.2); short protein forms P443S, P456S, P468S.
Identifiers: ClinVar variation 3225259 (VCV003225259.1), dbSNP rs2475482521, ClinGen allele CA356892311.

ClinVar aggregate classification (germline): Uncertain significance (1 of 4 stars; one submission).

Conditions:
Hereditary cancer-predisposing syndrome. Also called: Neoplastic Syndromes, Hereditary; Tumor predisposition; Hereditary neoplastic syndrome; Hereditary Cancer Syndrome. Identifiers: Orphanet 140162, MedGen C0027672, MeSH D009386, MONDO:0015356.

Submission:

Ambry Genetics
Classification: Uncertain significance for Hereditary cancer-predisposing syndrome. Last evaluated: 2024-01-21. Review status: criteria provided, single submitter. Criteria: Ambry Variant Classification Scheme 2023. Collection method: clinical testing. Allele origin: germline.
Comment: The p.P443S variant (also known as c.1327C>T), located in coding exon 8 of the PDGFRA gene, results from a C to T substitution at nucleotide position 1327. The proline at codon 443 is replaced by serine, an amino acid with similar properties. This amino acid position is conserved. In addition, this alteration is predicted to be deleterious by in silico analysis. Based on the available evidence, the clinical significance of this alteration remains unclear.